The following is an entry in ClinVar:

NC_000002.11:g.(?_73827785)_(73828583_?)del

Gene: ALMS1 (ALMS1 centrosome and basal body associated protein; plus strand). Cytogenetic location: 2p13.1.
Variant type: Deletion.
Identifiers: ClinVar variation 3247155 (VCV003247155.1).

ClinVar aggregate classification (germline): Pathogenic (1 of 4 stars; one submission).

Conditions:
Alstrom syndrome (ALMS). Identifiers: Orphanet 64, MedGen C0268425, MONDO:0008763, OMIM 203800.

Submission:

Labcorp Genetics (formerly Invitae), Labcorp
Classification: Pathogenic for Alstrom syndrome. Last evaluated: 2023-09-22. Review status: criteria provided, single submitter. Criteria: Invitae Variant Classification Sherloc (09022015). Collection method: clinical testing. Allele origin: unknown.
Comment: This variant is a gross deletion of the genomic region encompassing exon(s) 18-19 of the ALMS1 gene. This deletion is out-of-frame, and is expected to create a premature termination codon and result in an absent or disrupted protein product. Loss-of-function variants in ALMS1 are known to be pathogenic (PMID: 17594715). This variant has not been reported in the literature in individuals affected with ALMS1-related conditions. For these reasons, this variant has been classified as Pathogenic.

Literature cited by the submitters: PubMed 17594715.